The following is an entry in ClinVar:

ClinVar aggregate classification (germline): Uncertain significance. Review status: criteria provided, multiple submitters, no conflicts (2 of 4 stars). 2 submissions from 2 submitters: Uncertain significance (2). Last evaluated 2020-07-28.

Conditions:
Epidermolysis bullosa simplex 3, localized or generalized intermediate, with BP230 deficiency (EBS3). Also called: Epidermolysis bullosa simplex due to BP230 deficiency; Epidermolysis bullosa simplex, autosomal recessive 2. Identifiers: Orphanet 412181, MedGen C3809470, MONDO:0014180, OMIM 615425.
Hereditary sensory and autonomic neuropathy type 6. Also called: Neuropathy, hereditary sensory and autonomic, type VI; HSAN VI. Identifiers: Orphanet 314381, MedGen C3539003, MONDO:0013839, OMIM 614653.
Inborn genetic diseases. Identifiers: MedGen C0950123, MeSH D030342.

Allele frequency attached by ClinVar (database versions not stated): ExAC 0.00001; gnomAD 0.00001; gnomAD exomes 0.00001.
gnomAD v4.1: 7 of 1,614,022 alleles (0.00043%); highest among the groups gnomAD compares: Non-Finnish European, 0.00059%; no homozygotes.

Submissions (2):

Ambry Genetics
Classification: Uncertain significance for Inborn genetic diseases. Last evaluated: 2020-07-28. Review status: criteria provided, single submitter. Criteria: Ambry Variant Classification Scheme 2023. Collection method: clinical testing. Allele origin: germline.
Comment: The p.F745L variant (also known as c.2233T>C), located in coding exon 17 of the DST gene, results from a T to C substitution at nucleotide position 2233. The phenylalanine at codon 745 is replaced by leucine, an amino acid with highly similar properties. This amino acid position is not well conserved in available vertebrate species. In addition, the in silico prediction for this alteration is inconclusive. Since supporting evidence is limited at this time, the clinical significance of this alteration remains unclear.

Labcorp Genetics (formerly Invitae), Labcorp
Classification: Uncertain significance for Epidermolysis bullosa simplex 3, localized or generalized intermediate, with BP230 deficiency; Hereditary sensory and autonomic neuropathy type 6. Last evaluated: 2020-06-11. Review status: criteria provided, single submitter. Criteria: Invitae Variant Classification Sherloc (09022015). Collection method: clinical testing. Allele origin: germline.
Comment: In summary, the available evidence is currently insufficient to determine the role of this variant in disease. Therefore, it has been classified as a Variant of Uncertain Significance. Algorithms developed to predict the effect of missense changes on protein structure and function are either unavailable or do not agree on the potential impact of this missense change (SIFT: "Deleterious"; PolyPhen-2: "Benign"; Align-GVGD: "Class C0"). This variant has not been reported in the literature in individuals with DST-related conditions. This variant is present in population databases (rs748870367, ExAC 0.001%). This sequence change replaces phenylalanine with leucine at codon 241 of the DST protein (p.Phe241Leu). The phenylalanine residue is highly conserved and there is a small physicochemical difference between phenylalanine and leucine.

NM_001374736.1(DST):c.2332T>C (p.Phe778Leu)

Gene: DST (dystonin; minus strand). Cytogenetic location: 6p12.1.
Variant type: single nucleotide variant.
Coding change: c.2332T>C on transcript NM_001374736.1 (MANE Select); coding-DNA position 2332, T replaced by C.
Protein change: p.Phe778Leu; replaces phenylalanine 778 with leucine.
Molecular consequence: missense variant.
Genome position (GRCh38, 1-based): chr6:56,640,301, A>G on the plus strand (T>C on the coding strand, the complement: DST is on the minus strand). VCF-style: chr6-56640301-A-G. GRCh37 (hg19) VCF-style: chr6-56505099-A-G.
Other names: c.2233T>C, p.Phe745Leu (NM_001144769.5); c.1819T>C, p.Phe607Leu (NM_001144770.2); c.2332T>C, p.Phe778Leu (NM_001374722.1); c.1699T>C, p.Phe567Leu (NM_001374729.1, NM_001374730.1, NM_001386100.1 and 1 more transcripts); c.2359T>C, p.Phe787Leu (NM_001374734.1); c.721T>C, p.Phe241Leu (NM_001723.7, NM_015548.5); short protein forms F567L, F607L, F745L, F778L, F241L, F787L.
Identifiers: ClinVar variation 951990 (VCV000951990.10), dbSNP rs748870367, ClinGen allele CA3871449.
Genomic context (GRCh38, chr6:56,640,301, plus strand): 5'-GTTTTCGGATCTGCATCAACTTCAAAGTTTGCAATGAATTTGGCTCTACTCCTGAACTGA[A>G]ATTTGGAACTAATCCTGATGGGAAACCAGGTGTATAAGCTGGAGTGACAGATGGAGTCAG-3'
Protein context (NP_001361665.1, residues 768-788): PGFPSGLVPN[Phe778Leu]SSGVEPNSLQ